The following is an entry in ClinVar:

NM_000500.9(CYP21A2):c.335A>C (p.Asp112Ala)

Genes: CYP21A2 (cytochrome P450 family 21 subfamily A member 2; plus strand), LOC106780800 (CYP21A2 recombination region; plus strand). Cytogenetic location: 6p21.33.
Variant type: single nucleotide variant.
Coding change: c.335A>C on transcript NM_000500.9 (MANE Select); coding-DNA position 335, A replaced by C.
Protein change: p.Asp112Ala; replaces aspartic acid 112 with alanine.
Molecular consequence: missense variant. On other transcripts: 5 prime UTR variant (2).
Genome position (GRCh38, 1-based): chr6:32,039,136, A>C. VCF-style: chr6-32039136-A-C. GRCh37 (hg19) VCF-style: chr6-32006913-A-C.
Other names: c.245A>C, p.Asp82Ala (NM_001128590.4); c.-71A>C (NM_001368143.2, NM_001368144.2); short protein forms D112A, D82A.
Identifiers: ClinVar variation 4991977 (VCV004991977.1).

ClinVar aggregate classification (germline): Uncertain significance (1 of 4 stars; one submission).

Conditions:
CYP21A2-related disorder. Also called: CYP21A2-related condition.

Submission:

PreventionGenetics, part of Exact Sciences
Classification: Uncertain significance for CYP21A2-related condition. Last evaluated: 2026-09-08. Review status: criteria provided, single submitter. Criteria: ACMG Guidelines, 2015. Collection method: clinical testing. Allele origin: germline.
Comment: The CYP21A2 c.335A>C variant is predicted to result in the amino acid substitution p.Asp112Ala. To our knowledge, this variant has not been reported in the literature or in a large population database (gnomAD), indicating this variant is rare. This variant falls within a highly paralogous region. Allele frequency data should be interpreted with caution. At this time, the clinical significance of this variant is uncertain due to the absence of conclusive functional and genetic evidence.